The following is an entry in ClinVar:

ClinVar aggregate classification (germline): Uncertain significance. Review status: criteria provided, multiple submitters, no conflicts (2 of 4 stars). 2 submissions from 2 submitters: Uncertain significance (2). Last evaluated 2025-10-28.

Conditions:
Hereditary nonpolyposis colorectal neoplasms. Identifiers: MedGen C0009405, MeSH D003123.
Hereditary cancer-predisposing syndrome. Also called: Neoplastic Syndromes, Hereditary; Tumor predisposition; Hereditary Cancer Syndrome; Hereditary neoplastic syndrome. Identifiers: Orphanet 140162, MedGen C0027672, MeSH D009386, MONDO:0015356.

Submissions (2):

Ambry Genetics
Classification: Uncertain significance for Hereditary cancer-predisposing syndrome. Last evaluated: 2025-10-28. Review status: criteria provided, single submitter. Criteria: Ambry Variant Classification Scheme 2023. Collection method: clinical testing. Allele origin: germline.
Comment: The p.K417T variant (also known as c.1250A>C), located in coding exon 4 of the MSH6 gene, results from an A to C substitution at nucleotide position 1250. The lysine at codon 417 is replaced by threonine, an amino acid with similar properties. This amino acid position is highly conserved in available vertebrate species. In addition, this alteration is predicted to be deleterious by in silico analysis. Based on the available evidence, the clinical significance of this variant remains unclear.

Labcorp Genetics (formerly Invitae), Labcorp
Classification: Uncertain significance for Hereditary nonpolyposis colorectal neoplasms. Last evaluated: 2023-06-25. Review status: criteria provided, single submitter. Criteria: Invitae Variant Classification Sherloc (09022015). Collection method: clinical testing. Allele origin: germline.
Comment: ClinVar contains an entry for this variant (Variation ID: 483840). This variant has not been reported in the literature in individuals affected with MSH6-related conditions. This variant is not present in population databases (gnomAD no frequency). This sequence change replaces lysine, which is basic and polar, with threonine, which is neutral and polar, at codon 417 of the MSH6 protein (p.Lys417Thr). Advanced modeling of protein sequence and biophysical properties (such as structural, functional, and spatial information, amino acid conservation, physicochemical variation, residue mobility, and thermodynamic stability) performed at Invitae indicates that this missense variant is expected to disrupt MSH6 protein function. In summary, the available evidence is currently insufficient to determine the role of this variant in disease. Therefore, it has been classified as a Variant of Uncertain Significance.

NM_000179.3(MSH6):c.1250A>C (p.Lys417Thr)

Gene: MSH6 (mutS homolog 6; plus strand). Cytogenetic location: 2p16.3.
Variant type: single nucleotide variant.
Coding change: c.1250A>C on transcript NM_000179.3 (MANE Select); coding-DNA position 1250, A replaced by C.
Protein change: p.Lys417Thr; replaces lysine 417 with threonine.
Molecular consequence: missense variant.
Genome position (GRCh38, 1-based): chr2:47,799,233, A>C. VCF-style: chr2-47799233-A-C. GRCh37 (hg19) VCF-style: chr2-48026372-A-C.
Other names: c.860A>C, p.Lys287Thr (NM_001281492.2); c.344A>C, p.Lys115Thr (NM_001281493.2, NM_001281494.2); short protein forms K417T, K115T, K287T.
Identifiers: ClinVar variation 483840 (VCV000483840.10), dbSNP rs1553412687, ClinGen allele CA346743829.